The following is an entry in ClinVar:

ClinVar aggregate classification (germline): Conflicting classifications of pathogenicity. Review status: criteria provided, conflicting classifications (1 of 4 stars). 3 submissions from 3 submitters: Uncertain significance (2); Likely benign (1). Last evaluated 2025-09-23.

Conditions:
Hereditary cancer-predisposing syndrome. Also called: Neoplastic Syndromes, Hereditary; Tumor predisposition; Hereditary neoplastic syndrome; Hereditary Cancer Syndrome. Identifiers: Orphanet 140162, MedGen C0027672, MeSH D009386, MONDO:0015356.
Renal cell carcinoma. Identifiers: Orphanet 217071, MedGen C0007134, MeSH D002292, MONDO:0005086, HP:0005584.

Allele frequency attached by ClinVar (database versions not stated): gnomAD exomes below 0.00001 and 0.00003; TOPMed below 0.00001; ExAC 0.00001; gnomAD 0.00001; ESP Exome Variant Server 0.00008.
gnomAD v4.1: 45 of 1,613,574 alleles (0.0028%); highest among the groups gnomAD compares: Non-Finnish European, 0.0036%; no homozygotes.

Submissions (3):

Labcorp Genetics (formerly Invitae), Labcorp
Classification: Uncertain significance for Renal cell carcinoma. Last evaluated: 2025-09-23. Review status: criteria provided, single submitter. Criteria: Invitae Variant Classification Sherloc (09022015). Collection method: clinical testing. Allele origin: germline.
Comment: This sequence change replaces threonine, which is neutral and polar, with alanine, which is neutral and non-polar, at codon 555 of the MET protein (p.Thr555Ala). This variant is present in population databases (rs370883654, gnomAD 0.0009%). This variant has not been reported in the literature in individuals affected with MET-related conditions. ClinVar contains an entry for this variant (Variation ID: 566922). Invitae Evidence Modeling of protein sequence and biophysical properties (such as structural, functional, and spatial information, amino acid conservation, physicochemical variation, residue mobility, and thermodynamic stability) indicates that this missense variant is not expected to disrupt MET protein function with a negative predictive value of 80%. In summary, the available evidence is currently insufficient to determine the role of this variant in disease. Therefore, it has been classified as a Variant of Uncertain Significance.

GeneDx
Classification: Uncertain significance. Last evaluated: 2024-06-20. Review status: criteria provided, single submitter. Criteria: GeneDx Variant Classification Process June 2021. Collection method: clinical testing. Allele origin: germline. Affected: yes.
Comment: Not observed at significant frequency in large population cohorts (gnomAD); In silico analysis indicates that this missense variant does not alter protein structure/function; Has not been previously published as pathogenic or benign to our knowledge

Ambry Genetics
Classification: Likely benign for Hereditary cancer-predisposing syndrome. Last evaluated: 2022-02-08. Review status: criteria provided, single submitter. Criteria: Ambry Variant Classification Scheme 2023. Collection method: clinical testing. Allele origin: germline.

NM_000245.4(MET):c.1663A>G (p.Thr555Ala)

Gene: MET (MET proto-oncogene, receptor tyrosine kinase; plus strand). Cytogenetic location: 7q31.2.
Variant type: single nucleotide variant.
Coding change: c.1663A>G on transcript NM_000245.4 (MANE Select); coding-DNA position 1663, A replaced by G.
Protein change: p.Thr555Ala; replaces threonine 555 with alanine.
Molecular consequence: missense variant.
Genome position (GRCh38, 1-based): chr7:116,740,987, A>G. VCF-style: chr7-116740987-A-G. GRCh37 (hg19) VCF-style: chr7-116381041-A-G.
Other names: c.1663A>G, p.Thr555Ala (NM_001127500.3, NM_001324401.3); c.373A>G, p.Thr125Ala (NM_001324402.2); short protein forms T555A, T125A.
Identifiers: ClinVar variation 566922 (VCV000566922.17), dbSNP rs370883654, ClinGen allele CA4448219.